The following is an entry in ClinVar:

ClinVar aggregate classification (germline): Uncertain significance. Review status: criteria provided, multiple submitters, no conflicts (2 of 4 stars). 2 submissions from 2 submitters: Uncertain significance (2). Last evaluated 2022-06-22.

Conditions:
Gilbert syndrome. Also called: HYPERBILIRUBINEMIA, GILBERT TYPE; Gilbert Disease; HYPERBILIRUBINEMIA I; HYPERBILIRUBINEMIA, ARIAS TYPE; Gilbert's syndrome. Identifiers: MedGen C0017551, MONDO:0007745, OMIM 143500.

Allele frequency attached by ClinVar (database versions not stated): gnomAD below 0.00001 and 0.00003; TOPMed below 0.00001; ExAC 0.00001; gnomAD exomes 0.00001.
gnomAD v4.1: 8 of 1,614,146 alleles (0.0005%); highest among the groups gnomAD compares: South Asian, 0.0077%; no homozygotes.

Submissions (2):

MGZ Medical Genetics Center
Classification: Uncertain significance for Gilbert syndrome. Last evaluated: 2022-06-22. Review status: criteria provided, single submitter. Criteria: ACMG Guidelines, 2015. Collection method: clinical testing. Allele origin: germline. Affected: yes. Observed: 1 variant allele.
Comment: ACMG criteria applied: PS4_MOD, PM2_SUP

Eurofins Ntd Llc (ga)
Classification: Uncertain significance. Last evaluated: 2017-11-21. Review status: criteria provided, single submitter. Criteria: EGL Classification Definitions 2015. Collection method: clinical testing. Allele origin: germline. Observed: 1 variant allele, 1 heterozygote.

NM_000463.3(UGT1A1):c.1108A>G (p.Ile370Val)

Genes: UGT1A8 (UDP glucuronosyltransferase family 1 member A8; plus strand), UGT1A6 (UDP glucuronosyltransferase family 1 member A6; plus strand), UGT1A4 (UDP glucuronosyltransferase family 1 member A4; plus strand), UGT1A9 (UDP glucuronosyltransferase family 1 member A9; plus strand), UGT1A10 (UDP glucuronosyltransferase family 1 member A10; plus strand) and 5 more. Cytogenetic location: 2q37.1.
Variant type: single nucleotide variant.
Coding change: c.1108A>G on transcript NM_000463.3 (MANE Select); coding-DNA position 1108, A replaced by G.
Protein change: p.Ile370Val; replaces isoleucine 370 with valine.
Molecular consequence: missense variant.
Genome position (GRCh38, 1-based): chr2:233,768,243, A>G. VCF-style: chr2-233768243-A-G. GRCh37 (hg19) VCF-style: chr2-234676889-A-G.
Other names: c.1099A>G, p.Ile367Val (NM_019075.4, NM_019076.5, NM_019077.3 and 1 more transcripts); c.1105A>G, p.Ile369Val (NM_001072.4); c.304A>G, p.Ile102Val (NM_205862.3); c.1111A>G, p.Ile371Val (NM_019078.2, NM_007120.3, NM_019093.4); short protein forms I370V, I102V, I369V, I367V, I371V.
Identifiers: ClinVar variation 595091 (VCV000595091.6), dbSNP rs748989741, ClinGen allele CA2180013.
Genomic context (GRCh38, chr2:233,768,243, plus strand): 5'-ATGTAACTGCTGACATCCTCCCTATTTTGCATCTCAGGTCACCCGATGACCCGTGCCTTT[A>G]TCACCCATGCTGGTTCCCATGGTGTTTATGAAAGCATATGCAATGGCGTTCCCATGGTGA-3'
Protein context (NP_000454.1, residues 360-380): LLGHPMTRAF[Ile370Val]THAGSHGVYE